The following is an entry in ClinVar:

NM_000628.5(IL10RB):c.804+2del

Genes: IFNAR2-IL10RB (IFNAR2-IL10RB readthrough; plus strand), IL10RB (interleukin 10 receptor subunit beta; plus strand). Cytogenetic location: 21q22.11.
Variant type: Deletion.
Coding change: c.804+2del on transcript NM_000628.5 (MANE Select); the canonical splice donor site of the intron after coding-DNA position 804, one base deleted (T; older notation c.804+2delT).
Molecular consequence: splice donor variant. On other transcripts: intron variant (1).
Genome position (GRCh38, 1-based): chr21:33,288,263, T deleted. VCF-style (leftmost placement, unchanged base first): chr21-33288262-GT-G. GRCh37 (hg19) VCF-style: chr21-34660567-GT-G.
Other names: c.804+2delT (NM_000628.5); c.1464+2del (NM_001414505.1); c.804+2del (NM_001405849.1, NM_001405850.1); c.646+5022del (NM_001406840.1).
Identifiers: ClinVar variation 3256933 (VCV003256933.1).

ClinVar aggregate classification (germline): Likely pathogenic (1 of 4 stars; one submission).

Conditions:
Susceptibility to severe COVID-19.

Submission:

Molecular Medicine Center, Medical University of Sofia
Classification: Likely pathogenic for Susceptibility to severe COVID-19. Last evaluated: 2024-07-22. Review status: criteria provided, single submitter. Criteria: ACMG Guidelines, 2015. Collection method: research. Allele origin: germline. Affected: yes.
Comment: Novel (unreported in gnomAD or dbSNP until April 2024) variant found in severely infected COVID-19 Bulgarian patients in a research study. Variant is classified as likely pathogenic according to the ACMG criteria: PM2,PVS1.